The following is an entry in ClinVar:

NM_000135.4(FANCA):c.3206T>G (p.Leu1069Arg)

Gene: FANCA (FA complementation group A; minus strand). Cytogenetic location: 16q24.3.
Variant type: single nucleotide variant.
Coding change: c.3206T>G on transcript NM_000135.4 (MANE Select); coding-DNA position 3206, T replaced by G.
Protein change: p.Leu1069Arg; replaces leucine 1069 with arginine.
Molecular consequence: missense variant.
Genome position (GRCh38, 1-based): chr16:89,749,763, A>C on the plus strand (T>G on the coding strand, the complement: FANCA is on the minus strand). VCF-style: chr16-89749763-A-C. GRCh37 (hg19) VCF-style: chr16-89816171-A-C.
Other names: c.3206T>G, p.Leu1069Arg (NM_001286167.3); short protein forms L1069R.
Identifiers: ClinVar variation 837420 (VCV000837420.13), dbSNP rs756620986, ClinGen allele CA8251298.

ClinVar aggregate classification (germline): Uncertain significance. Review status: criteria provided, multiple submitters, no conflicts (2 of 4 stars). 3 submissions from 3 submitters: Uncertain significance (2). 1 of the submissions does not count toward it. Last evaluated 2022-05-01.

Conditions:
Fanconi anemia (FA). Also called: Fanconi's anemia. Identifiers: Orphanet 84, MedGen C0015625, MeSH D005199, MONDO:0019391.
Fanconi anemia complementation group A (FANCA). Also called: Fanconi anemia, group A; FANCA-Related Fanconi Anemia. Identifiers: Orphanet 84, MedGen C3469521, MONDO:0009215, OMIM 227650.

Allele frequency attached by ClinVar (database versions not stated): gnomAD exomes below 0.00001; ExAC 0.00001.

Submissions (3):

Labcorp Genetics (formerly Invitae), Labcorp
Classification: Uncertain significance for Fanconi anemia. Last evaluated: 2022-05-01. Review status: criteria provided, single submitter. Criteria: Invitae Variant Classification Sherloc (09022015). Collection method: clinical testing. Allele origin: germline.
Comment: This sequence change replaces leucine, which is neutral and non-polar, with arginine, which is basic and polar, at codon 1069 of the FANCA protein (p.Leu1069Arg). This variant is present in population databases (rs756620986, gnomAD 0.0009%). This variant has not been reported in the literature in individuals affected with FANCA-related conditions. ClinVar contains an entry for this variant (Variation ID: 837420). Advanced modeling of protein sequence and biophysical properties (such as structural, functional, and spatial information, amino acid conservation, physicochemical variation, residue mobility, and thermodynamic stability) performed at Invitae indicates that this missense variant is expected to disrupt FANCA protein function. In summary, the available evidence is currently insufficient to determine the role of this variant in disease. Therefore, it has been classified as a Variant of Uncertain Significance.

Fulgent Genetics
Classification: Uncertain significance for Fanconi anemia complementation group A. Last evaluated: 2021-10-25. Review status: criteria provided, single submitter. Criteria: ACMG Guidelines, 2015. Collection method: clinical testing. Allele origin: unknown.

Natera, Inc.
Classification: Uncertain significance for Fanconi anemia. Last evaluated: 2021-09-21. Review status: no assertion criteria provided. Collection method: clinical testing. Allele origin: germline. Not counted in ClinVar's aggregate classification.